The following is an entry in ClinVar:

NM_020884.7(MYH7B):c.5246_5266dup (p.Arg1755_Arg1756insGlnGluAlaAlaGlnGluArg)

Gene: MYH7B (myosin heavy chain 7B; plus strand). Cytogenetic location: 20q11.22.
Variant type: Duplication.
Coding change: c.5246_5266dup on transcript NM_020884.7 (MANE Select); coding-DNA positions 5246 to 5266, 21 bases duplicated (AGGAGGCTGCACAGGAGAGGC).
Protein change: p.Arg1755_Arg1756insGlnGluAlaAlaGlnGluArg.
Molecular consequence: inframe insertion.
Genome position (GRCh38, 1-based): chr20:35,000,835-35,000,855, AGGAGGCTGCACAGGAGAGGC duplicated. VCF-style (leftmost placement, unchanged base first): chr20-35000834-G-GAGGAGGCTGCACAGGAGAGGC. GRCh37 (hg19) VCF-style: chr20-33588637-G-GAGGAGGCTGCACAGGAGAGGC.
Identifiers: ClinVar variation 2142400 (VCV002142400.4), dbSNP rs2519241165, ClinGen allele CA2580098115.

ClinVar aggregate classification (germline): Uncertain significance (1 of 4 stars; one submission).

Allele frequency attached by ClinVar (database versions not stated): gnomAD exomes below 0.00001.

Submission:

Labcorp Genetics (formerly Invitae), Labcorp
Classification: Uncertain significance. Last evaluated: 2023-02-10. Review status: criteria provided, single submitter. Criteria: Invitae Variant Classification Sherloc (09022015). Collection method: clinical testing. Allele origin: germline.
Comment: In summary, the available evidence is currently insufficient to determine the role of this variant in disease. Therefore, it has been classified as a Variant of Uncertain Significance. Experimental studies and prediction algorithms are not available or were not evaluated, and the functional significance of this variant is currently unknown. This variant has not been reported in the literature in individuals affected with MYH7B-related conditions. This variant is not present in population databases (gnomAD no frequency). This variant, c.5372_5392dup, results in the insertion of 7 amino acid(s) of the MYH7B protein (p.Arg1797_Arg1798ins7), but otherwise preserves the integrity of the reading frame.